The following is an entry in ClinVar:

NM_001042492.3(NF1):c.1109dup (p.Ala371fs)

Gene: NF1 (neurofibromin 1; plus strand). Cytogenetic location: 17q11.2.
Variant type: Duplication.
Coding change: c.1109dup on transcript NM_001042492.3 (MANE Select); coding-DNA position 1109, one base duplicated (C; older notation c.1109dupC).
Protein change: p.Ala371fs; shifts the reading frame from alanine 371.
Molecular consequence: frameshift variant.
Genome position (GRCh38, 1-based): chr17:31,201,083, C duplicated; the last of 2 consecutive C bases (chr17:31,201,082-31,201,083); duplicating either gives the same sequence. VCF-style (leftmost placement, unchanged base first): chr17-31201081-G-GC. GRCh37 (hg19) VCF-style: chr17-29528099-G-GC.
Other names: c.1109dup, p.Ala371Cysfs (NM_000267.4); c.1109dup, p.Ala371fs (NM_001128147.3); short protein forms A371fs.
Identifiers: ClinVar variation 2815702 (VCV002815702.3), dbSNP rs2544797003, ClinGen allele CA2739267331.

ClinVar aggregate classification (germline): Pathogenic (1 of 4 stars; one submission).

Conditions:
Neurofibromatosis, type 1 (NF1). Also called: VON RECKLINGHAUSEN DISEASE; Peripheral type neurofibromatosis; Neurofibromatosis, type I; NEUROFIBROMATOSIS, TYPE I, SOMATIC. Identifiers: Orphanet 636, MedGen C0027831, MONDO:0018975, OMIM 162200. Disease mechanism: loss of function.

Submission:

Labcorp Genetics (formerly Invitae), Labcorp
Classification: Pathogenic for Neurofibromatosis, type 1. Last evaluated: 2022-11-23. Review status: criteria provided, single submitter. Criteria: Invitae Variant Classification Sherloc (09022015). Collection method: clinical testing. Allele origin: germline.
Comment: For these reasons, this variant has been classified as Pathogenic. This variant has not been reported in the literature in individuals affected with NF1-related conditions. This sequence change creates a premature translational stop signal (p.Ala371Cysfs*8) in the NF1 gene. It is expected to result in an absent or disrupted protein product. Loss-of-function variants in NF1 are known to be pathogenic (PMID: 10712197, 23913538). This variant is not present in population databases (gnomAD no frequency).

Literature cited by the submitters: PubMed 10712197; PubMed 23913538.